The following is an entry in ClinVar:

ClinVar aggregate classification (germline): Uncertain significance (1 of 4 stars; one submission).

Conditions:
Hereditary cancer-predisposing syndrome. Also called: Hereditary neoplastic syndrome; Hereditary Cancer Syndrome; Neoplastic Syndromes, Hereditary; Tumor predisposition. Identifiers: Orphanet 140162, MedGen C0027672, MeSH D009386, MONDO:0015356.

Submission:

Labcorp Genetics (formerly Invitae), Labcorp
Classification: Uncertain significance for Hereditary cancer-predisposing syndrome. Last evaluated: 2023-10-16. Review status: criteria provided, single submitter. Criteria: Invitae Variant Classification Sherloc (09022015). Collection method: clinical testing. Allele origin: germline.
Comment: This sequence change replaces tryptophan, which is neutral and slightly polar, with cysteine, which is neutral and slightly polar, at codon 1151 of the RAD50 protein (p.Trp1151Cys). This variant is not present in population databases (gnomAD no frequency). This variant has not been reported in the literature in individuals affected with RAD50-related conditions. Advanced modeling of protein sequence and biophysical properties (such as structural, functional, and spatial information, amino acid conservation, physicochemical variation, residue mobility, and thermodynamic stability) performed at Invitae indicates that this missense variant is expected to disrupt RAD50 protein function. In summary, the available evidence is currently insufficient to determine the role of this variant in disease. Therefore, it has been classified as a Variant of Uncertain Significance.

NM_005732.4(RAD50):c.3453G>C (p.Trp1151Cys)

Genes: TH2-LCR (Th2 cytokine locus control region; plus strand), TH2LCRR (T helper type 2 locus control region associated RNA; minus strand), RAD50 (RAD50 double strand break repair protein; plus strand). Cytogenetic location: 5q31.1.
Variant type: single nucleotide variant.
Coding change: c.3453G>C on transcript NM_005732.4 (MANE Select); coding-DNA position 3453, G replaced by C.
Protein change: p.Trp1151Cys; replaces tryptophan 1151 with cysteine.
Molecular consequence: missense variant.
Genome position (GRCh38, 1-based): chr5:132,637,178, G>C. VCF-style: chr5-132637178-G-C. GRCh37 (hg19) VCF-style: chr5-131972870-G-C.
Other names: short protein forms W1151C.
Identifiers: ClinVar variation 2768998 (VCV002768998.3), dbSNP rs2479424871, ClinGen allele CA360930381.
Genomic context (GRCh38, chr5:132,637,178, plus strand): 5'-AATAATGAAATTTCACAGTATGAAAATGGAAGAAATCAATAAAATTATACGTGACCTGTG[G>C]CGAAGTACCTATCGTGGACAAGGTGAGTACCATGGTGTATCACAAATGCTCTTTCCAAAG-3'
Protein context (NP_005723.2, residues 1141-1161): EEINKIIRDL[Trp1151Cys]RSTYRGQDIE